The following is an entry in ClinVar:

ClinVar aggregate classification (germline): Uncertain significance (1 of 4 stars; one submission).

Conditions:
Hereditary cancer-predisposing syndrome. Also called: Neoplastic Syndromes, Hereditary; Tumor predisposition; Hereditary neoplastic syndrome; Hereditary Cancer Syndrome. Identifiers: Orphanet 140162, MedGen C0027672, MeSH D009386, MONDO:0015356.

Submission:

Ambry Genetics
Classification: Uncertain significance for Hereditary cancer-predisposing syndrome. Last evaluated: 2023-12-02. Review status: criteria provided, single submitter. Criteria: Ambry Variant Classification Scheme 2023. Collection method: clinical testing. Allele origin: germline.
Comment: The p.L44Q variant (also known as c.131T>A), located in coding exon 1 of the BARD1 gene, results from a T to A substitution at nucleotide position 131. The leucine at codon 44 is replaced by glutamine, an amino acid with dissimilar properties. This amino acid position is conserved. In addition, the in silico prediction for this alteration is inconclusive. Since supporting evidence is limited at this time, the clinical significance of this alteration remains unclear.

NM_000465.4(BARD1):c.131T>A (p.Leu44Gln)

Gene: BARD1 (BRCA1 associated RING domain 1; minus strand). Cytogenetic location: 2q35.
Variant type: single nucleotide variant.
Coding change: c.131T>A on transcript NM_000465.4 (MANE Select); coding-DNA position 131, T replaced by A.
Protein change: p.Leu44Gln; replaces leucine 44 with glutamine.
Molecular consequence: missense variant. On other transcripts: non-coding transcript variant (3).
Genome position (GRCh38, 1-based): chr2:214,809,439, A>T on the plus strand (T>A on the coding strand, the complement: BARD1 is on the minus strand). VCF-style: chr2-214809439-A-T. GRCh37 (hg19) VCF-style: chr2-215674163-A-T.
Other names: c.131T>A, p.Leu44Gln (NM_001282543.2, NM_001282545.2, NM_001282548.2 and 1 more transcripts); short protein forms L44Q.
Identifiers: ClinVar variation 3231765 (VCV003231765.1), dbSNP rs2469637730, ClinGen allele CA350464895.